The following is an entry in ClinVar:

ClinVar aggregate classification (germline): Uncertain significance (1 of 4 stars; one submission).

Conditions:
Nephronophthisis 14 (NPHP14). Identifiers: Orphanet 2318, MedGen C3539071, MONDO:0013916, OMIM 614844.

Allele frequency attached by ClinVar (database versions not stated): gnomAD exomes below 0.00001; TOPMed 0.00001.
gnomAD v4.1: 2 of 1,604,196 alleles (0.00012%); highest among the groups gnomAD compares: Admixed American, 0.0017%; no homozygotes.

Submission:

Labcorp Genetics (formerly Invitae), Labcorp
Classification: Uncertain significance for Nephronophthisis 14. Last evaluated: 2023-10-13. Review status: criteria provided, single submitter. Criteria: Invitae Variant Classification Sherloc (09022015). Collection method: clinical testing. Allele origin: germline.
Comment: This sequence change replaces aspartic acid, which is acidic and polar, with asparagine, which is neutral and polar, at codon 97 of the ZNF423 protein (p.Asp97Asn). This variant is present in population databases (no rsID available, gnomAD 0.003%). This variant has not been reported in the literature in individuals affected with ZNF423-related conditions. ClinVar contains an entry for this variant (Variation ID: 939480). Advanced modeling of protein sequence and biophysical properties (such as structural, functional, and spatial information, amino acid conservation, physicochemical variation, residue mobility, and thermodynamic stability) performed at Invitae indicates that this missense variant is not expected to disrupt ZNF423 protein function. In summary, the available evidence is currently insufficient to determine the role of this variant in disease. Therefore, it has been classified as a Variant of Uncertain Significance.

NM_001379286.1(ZNF423):c.313G>A (p.Asp105Asn)

Gene: ZNF423 (zinc finger protein 423; minus strand). Cytogenetic location: 16q12.1.
Variant type: single nucleotide variant.
Coding change: c.313G>A on transcript NM_001379286.1 (MANE Select); coding-DNA position 313, G replaced by A.
Protein change: p.Asp105Asn; replaces aspartic acid 105 with asparagine.
Molecular consequence: missense variant. On other transcripts: 5 prime UTR variant (1).
Genome position (GRCh38, 1-based): chr16:49,638,863, C>T on the plus strand (G>A on the coding strand, the complement: ZNF423 is on the minus strand). VCF-style: chr16-49638863-C-T. GRCh37 (hg19) VCF-style: chr16-49672774-C-T.
Other names: c.109G>A, p.Asp37Asn (NM_001271620.2); c.-63G>A (NM_001330533.2); c.289G>A, p.Asp97Asn (NM_015069.5); short protein forms D37N, D97N, D105N.
Identifiers: ClinVar variation 939480 (VCV000939480.9), dbSNP rs1212113675, ClinGen allele CA395852756.
Genomic context (GRCh38, chr16:49,638,863, plus strand): 5'-GCGTGGGTGACGCAACATCCTTGCTGGAGGGAGACGAGGCCACCCAGGAGAGTTGTGGGT[C>T]GTCATCACCATCTGCAAGAGAAGGCAGAGAGGATATTAGAGGCAATTCCCAGGGCTGCCG-3'
Protein context (NP_001366215.1, residues 95-115): AHRCPGDGDD[Asp105Asn]PQLSWVASSP